The following is an entry in ClinVar:

ClinVar aggregate classification (germline): Uncertain significance (1 of 4 stars; one submission).

Submission:

Women's Health and Genetics/Laboratory Corporation of America, LabCorp
Classification: Uncertain significance. Last evaluated: 2024-01-22. Review status: criteria provided, single submitter. Criteria: LabCorp Variant Classification Summary - May 2015. Collection method: clinical testing. Allele origin: germline.
Comment: Variant summary: TTN c.64094C>T (p.Pro21365Leu) results in a non-conservative amino acid change located in the A-band region of the encoded protein sequence. Two of four in-silico tools predict a damaging effect of the variant on protein function. The variant was absent in 248570 control chromosomes. The available data on variant occurrences in the general population are insufficient to allow any conclusion about variant significance. To our knowledge, no occurrence of c.64094C>T in individuals affected with Limb-Girdle Muscular Dystrophy, Type 2J and no experimental evidence demonstrating its impact on protein function have been reported. No submitters have cited clinical-significance assessments for this variant to ClinVar. Based on the evidence outlined above, the variant was classified as uncertain significance.

NM_001267550.2(TTN):c.71798C>T (p.Pro23933Leu)

Genes: TTN (titin; minus strand), TTN-AS1 (TTN antisense RNA 1; plus strand). Cytogenetic location: 2q31.2.
Variant type: single nucleotide variant.
Coding change: c.71798C>T on transcript NM_001267550.2 (MANE Select); coding-DNA position 71798, C replaced by T.
Protein change: p.Pro23933Leu; replaces proline 23933 with leucine.
Molecular consequence: missense variant.
Genome position (GRCh38, 1-based): chr2:178,574,334, G>A on the plus strand (C>T on the coding strand, the complement: TTN is on the minus strand). VCF-style: chr2-178574334-G-A. GRCh37 (hg19) VCF-style: chr2-179439061-G-A.
Other names: c.66875C>T, p.Pro22292Leu (NM_001256850.1); c.44603C>T, p.Pro14868Leu (NM_003319.4); c.64094C>T, p.Pro21365Leu (NM_133378.4); c.44978C>T, p.Pro14993Leu (NM_133432.3); c.45179C>T, p.Pro15060Leu (NM_133437.4); short protein forms P14868L, P14993L, P15060L, P21365L, P22292L, P23933L.
Identifiers: ClinVar variation 3063635 (VCV003063635.1), dbSNP rs1175490434, ClinGen allele CA349650703.